The following is an entry in ClinVar:

NM_000187.4(HGD):c.1188+8T>A

Gene: HGD (homogentisate 1,2-dioxygenase; minus strand). Cytogenetic location: 3q13.33.
Variant type: single nucleotide variant.
Coding change: c.1188+8T>A on transcript NM_000187.4 (MANE Select); 8 bases into the intron after coding-DNA position 1188, T replaced by A.
Molecular consequence: intron variant.
Genome position (GRCh38, 1-based): chr3:120,633,139, A>T on the plus strand (T>A on the coding strand, the complement: HGD is on the minus strand). VCF-style: chr3-120633139-A-T. GRCh37 (hg19) VCF-style: chr3-120351986-A-T.
Identifiers: ClinVar variation 2584714 (VCV002584714.2), dbSNP rs1940642048, ClinGen allele CA1397090683.

ClinVar aggregate classification (germline): Pathogenic (0 of 4 stars; one submission).

Conditions:
Alkaptonuria (AKU). Also called: Alkaptonuric ochronosis; Homogentisic acidura; HOMOGENTISIC ACID OXIDASE DEFICIENCY; Alcaptonuria. Identifiers: Orphanet 56, MedGen C0002066, MONDO:0008753, OMIM 203500.

Allele frequency attached by ClinVar (database versions not stated): gnomAD exomes below 0.00001.
gnomAD v4.1: 2 of 1,613,910 alleles (0.00012%); highest among the groups gnomAD compares: Non-Finnish European, 0.00017%; no homozygotes.

Submission:

Department Of Human Genetics, Institute Of Clinical And Translational Research, Biomedical Research Center, Slovak Academy Of Sciences
Classification: Pathogenic for Alkaptonuria. Review status: no assertion criteria provided. Collection method: research. Allele origin: germline. Inheritance: Autosomal recessive inheritance. Affected: yes. Observed: 1 variant allele.
Comment: The variant was originally described in PMID:34504318. It has been submitted to the HGD gene mutation database (DB-ID: AKU_00228).

Literature cited by the submitters: PubMed 34504318.